The following is an entry in ClinVar:

ClinVar aggregate classification (germline): Uncertain significance (1 of 4 stars; one submission).

Conditions:
Inborn genetic diseases. Identifiers: MedGen C0950123, MeSH D030342.

Submission:

Ambry Genetics
Classification: Uncertain significance for Inborn genetic diseases. Last evaluated: 2025-10-05. Review status: criteria provided, single submitter. Criteria: Ambry Variant Classification Scheme 2023. Collection method: clinical testing. Allele origin: germline.
Comment: The p.A199P variant (also known as c.595G>C), located in coding exon 1 of the SH2B3 gene, results from a G to C substitution at nucleotide position 595. The alanine at codon 199 is replaced by proline, an amino acid with highly similar properties. This amino acid position is conserved. In addition, this alteration is predicted to be tolerated by in silico analysis. Based on the available evidence, the clinical significance of this variant remains unclear.

NM_005475.3(SH2B3):c.595G>C (p.Ala199Pro)

Gene: SH2B3 (SH2B adaptor protein 3; plus strand). Cytogenetic location: 12q24.12.
Variant type: single nucleotide variant.
Coding change: c.595G>C on transcript NM_005475.3 (MANE Select); coding-DNA position 595, G replaced by C.
Protein change: p.Ala199Pro; replaces alanine 199 with proline.
Molecular consequence: missense variant.
Genome position (GRCh38, 1-based): chr12:111,418,740, G>C. VCF-style: chr12-111418740-G-C. GRCh37 (hg19) VCF-style: chr12-111856544-G-C.
Other names: short protein forms A199P.
Identifiers: ClinVar variation 4630701 (VCV004630701.1).